The following is an entry in ClinVar:

NM_000053.4(ATP7B):c.3009G>A (p.Ala1003=)

Gene: ATP7B (ATPase copper transporting beta; minus strand). Cytogenetic location: 13q14.3.
Variant type: single nucleotide variant.
Coding change: c.3009G>A on transcript NM_000053.4 (MANE Select); coding-DNA position 3009, G replaced by A.
Protein change: p.Ala1003=; no amino-acid change (alanine 1003 retained).
Molecular consequence: synonymous variant.
Genome position (GRCh38, 1-based): chr13:51,946,335, C>T on the plus strand (G>A on the coding strand, the complement: ATP7B is on the minus strand). VCF-style: chr13-51946335-C-T. GRCh37 (hg19) VCF-style: chr13-52520471-C-T.
Other names: p.Ala1003=; c.2388G>A, p.Ala796= (NM_001005918.3); c.2676G>A, p.Ala892= (NM_001243182.2); c.2775G>A, p.Ala925= (NM_001330578.2); c.2757G>A, p.Ala919= (NM_001330579.2).
Identifiers: ClinVar variation 35714 (VCV000035714.47), dbSNP rs1801247, ClinGen allele CA145681.

ClinVar aggregate classification (germline): Benign/Likely benign. Review status: criteria provided, multiple submitters, no conflicts (2 of 4 stars). 18 submissions from 18 submitters: Benign (14); Likely benign (1). 3 of the submissions do not count toward it. Last evaluated 2026-02-04.

Conditions:
Inborn genetic diseases. Identifiers: MedGen C0950123, MeSH D030342.
Wilson disease (WND). Also called: Wilson's disease. Identifiers: Orphanet 905, MedGen C0019202, MONDO:0010200, OMIM 277900. Disease mechanism: loss of function.

Allele frequency attached by ClinVar (database versions not stated): TOPMed 0.03569; 1000 Genomes Project 0.03694; gnomAD 0.04276 and 0.04023; ExAC 0.08675; ESP Exome Variant Server 0.03991; gnomAD exomes 0.05494 and 0.05806; 1000 Genomes Project 30x 0.03841.
gnomAD v4.1: 90,859 of 1,607,684 alleles (5.7%); highest among the groups gnomAD compares: South Asian, 12%; 3,036 homozygotes.

Submissions (18):

Labcorp Genetics (formerly Invitae), Labcorp
Classification: Benign for Wilson disease. Last evaluated: 2026-02-04. Review status: criteria provided, single submitter. Criteria: Invitae Variant Classification Sherloc (09022015). Collection method: clinical testing. Allele origin: germline.

ARUP Laboratories, Molecular Genetics and Genomics, ARUP Laboratories
Classification: Benign for Wilson disease. Last evaluated: 2025-07-23. Review status: criteria provided, single submitter. Criteria: ARUP Molecular Germline Variant Investigation Process 2024. Collection method: clinical testing. Allele origin: germline.

Blueprint Genetics
Classification: Likely benign. Last evaluated: 2024-11-27. Review status: criteria provided, single submitter. Criteria: ACMG Guidelines, 2015. Collection method: clinical testing. Allele origin: germline.

All of Us Research Program, National Institutes of Health
Classification: Benign for Wilson disease. Last evaluated: 2024-10-01. Review status: criteria provided, single submitter. Criteria: ACMG Guidelines, 2015. Collection method: clinical testing. Allele origin: germline. Inheritance: Autosomal recessive inheritance. Observed: 13,620 variant alleles, 13,226 heterozygotes, 391 homozygotes, 3 hemizygotes.
Comment: This study involves interpretation of variants in research participants for the purpose of population health screening. Participant phenotype was not available at the time of variant classification. Additional details can be found in publication PMID: 35346344, PMCID: PMC8962531

Mayo Clinic Laboratories, Mayo Clinic
Classification: Benign. Last evaluated: 2023-01-15. Review status: criteria provided, single submitter. Criteria: ACMG Guidelines, 2015. Collection method: clinical testing. Allele origin: germline. Observed: 291 variant alleles.

Genome-Nilou Lab
Classification: Benign for Wilson disease. Last evaluated: 2021-07-01. Review status: criteria provided, single submitter. Criteria: ACMG Guidelines, 2015. Collection method: clinical testing. Allele origin: germline. Affected: no.

Color Diagnostics, LLC DBA Color Health
Classification: Benign for Wilson disease. Last evaluated: 2019-03-28. Review status: criteria provided, single submitter. Criteria: ACMG Guidelines, 2015. Collection method: clinical testing. Allele origin: germline.

Illumina Laboratory Services, Illumina
Classification: Benign for Wilson disease. Last evaluated: 2018-01-12. Review status: criteria provided, single submitter. Criteria: ICSL Variant Classification Criteria 13 December 2019. Collection method: clinical testing. Allele origin: germline.
Comment: This variant was observed in the ICSL laboratory as part of a predisposition screen in an ostensibly healthy population. It had not been previously curated by ICSL or reported in the Human Gene Mutation Database (HGMD: prior to June 1st, 2018), and was therefore a candidate for classification through an automated scoring system. Utilizing variant allele frequency, disease prevalence and penetrance estimates, and inheritance mode, an automated score was calculated to assess if this variant is too frequent to cause the disease. Based on the score and internal cut-off values, a variant classified as benign is not then subjected to further curation. The score for this variant resulted in a classification of benign for this disease.

Ambry Genetics
Classification: Benign for Inborn genetic diseases. Last evaluated: 2016-08-03. Review status: criteria provided, single submitter. Criteria: Ambry Variant Classification Scheme 2023. Collection method: clinical testing. Allele origin: germline.

GeneDx
Classification: Benign. Last evaluated: 2016-01-18. Review status: criteria provided, single submitter. Criteria: GeneDx Variant Classification (06012015). Collection method: clinical testing. Allele origin: germline. Affected: yes.
Comment: This variant is considered likely benign or benign based on one or more of the following criteria: it is a conservative change, it occurs at a poorly conserved position in the protein, it is predicted to be benign by multiple in silico algorithms, and/or has population frequency not consistent with disease.

Eurofins Ntd Llc (ga)
Classification: Benign. Last evaluated: 2013-08-26. Review status: criteria provided, single submitter. Criteria: EGL Classification Definitions 2015. Collection method: clinical testing. Allele origin: germline. Observed: 6 variant alleles, 6 heterozygotes.

Genetic Services Laboratory, University of Chicago
Classification: Benign. Last evaluated: 2013-02-08. Review status: criteria provided, single submitter. Criteria: ACMG Guidelines, 2007. Collection method: clinical testing. Allele origin: germline. Inheritance: Autosomal recessive inheritance.

Women's Health and Genetics/Laboratory Corporation of America, LabCorp
Classification: Benign for Wilson Disease. Last evaluated: 2011-08-18. Review status: criteria provided, single submitter. Criteria: LabCorp Variant Classification Summary - May 2015. Collection method: curation, clinical testing. Allele origin: germline. Inheritance: autosomal unknown. Affected: yes.
ClinVar note: Converted during submission from benign to Benign.

Breakthrough Genomics
Classification: Benign. Review status: criteria provided, single submitter. Criteria: ACMG Guidelines, 2015. Collection method: not provided. Allele origin: germline. Inheritance: Autosomal recessive inheritance. Affected: yes.

PreventionGenetics, part of Exact Sciences
Classification: Benign. Review status: criteria provided, single submitter. Criteria: ACMG Guidelines, 2015. Collection method: clinical testing. Allele origin: germline.

Clinical Genetics, Academic Medical Center
Classification: Benign. Review status: no assertion criteria provided. Collection method: clinical testing. Allele origin: germline. Affected: yes. Study: VKGL Data-share Consensus. Not counted in ClinVar's aggregate classification.

Genome Diagnostics Laboratory, Amsterdam University Medical Center
Classification: Benign. Review status: no assertion criteria provided. Collection method: clinical testing. Allele origin: germline. Affected: yes. Study: VKGL Data-share Consensus. Not counted in ClinVar's aggregate classification.

Genome Diagnostics Laboratory, University Medical Center Utrecht
Classification: Benign. Review status: no assertion criteria provided. Collection method: clinical testing. Allele origin: germline. Affected: yes. Study: VKGL Data-share Consensus. Not counted in ClinVar's aggregate classification.

Literature cited by the submitters: PubMed 9887381 (cited by Women's Health and Genetics/Laboratory Corporation of America, LabCorp); PubMed 7626145 (cited by Women's Health and Genetics/Laboratory Corporation of America, LabCorp); PubMed 11175281 (cited by Women's Health and Genetics/Laboratory Corporation of America, LabCorp); PubMed 8533760 (cited by Women's Health and Genetics/Laboratory Corporation of America, LabCorp).